The following is an entry in ClinVar:

NM_014714.4(IFT140):c.210C>T (p.His70=)

Genes: IFT140 (intraflagellar transport 140; minus strand), LOC105371046 (uncharacterized LOC105371046; plus strand). Cytogenetic location: 16p13.3.
Variant type: single nucleotide variant.
Coding change: c.210C>T on transcript NM_014714.4 (MANE Select); coding-DNA position 210, C replaced by T.
Protein change: p.His70=; no amino-acid change (histidine 70 retained).
Molecular consequence: synonymous variant.
Genome position (GRCh38, 1-based): chr16:1,602,529, G>A on the plus strand (C>T on the coding strand, the complement: IFT140 is on the minus strand). VCF-style: chr16-1602529-G-A. GRCh37 (hg19) VCF-style: chr16-1652530-G-A.
Other names: c.210C>T (NM_014714.3).
Identifiers: ClinVar variation 1127566 (VCV001127566.11), dbSNP rs145160997, ClinGen allele CA7814779.

ClinVar aggregate classification (germline): Likely benign. Review status: criteria provided, multiple submitters, no conflicts (2 of 4 stars). 3 submissions from 3 submitters: Likely benign (3). Last evaluated 2026-01-12.

Conditions:
Saldino-Mainzer syndrome (SRTD9). Also called: CONORENAL SYNDROME; SHORT-RIB THORACIC DYSPLASIA 9 WITHOUT POLYDACTYLY; short-rib thoracic dysplasia 9 with or without polydactyly; Renal dysplasia, retinal pigmentary dystrophy, cerebellar ataxia and skeletal dysplasia. Identifiers: Orphanet 140969, MedGen C1849437, MONDO:0009964, OMIM 266920.
IFT140-related disorder. Also called: IFT140-related condition.

Allele frequency attached by ClinVar (database versions not stated): ExAC 0.00005; TOPMed 0.00006; gnomAD 0.00008; ESP Exome Variant Server 0.00023; 1000 Genomes Project 30x 0.00031; 1000 Genomes Project 0.00040.
gnomAD v4.1: 155 of 1,614,120 alleles (0.0096%); highest among the groups gnomAD compares: Non-Finnish European, 0.012%; no homozygotes.

Submissions (3):

PreventionGenetics, part of Exact Sciences
Classification: Likely benign for IFT140-related condition. Last evaluated: 2026-01-12. Review status: criteria provided, single submitter. Criteria: ACMG Guidelines, 2015. Collection method: clinical testing. Allele origin: germline.
Comment: This variant is classified as likely benign based on ACMG/AMP sequence variant interpretation guidelines (Richards et al. 2015 PMID: 25741868, with internal and published modifications).

Labcorp Genetics (formerly Invitae), Labcorp
Classification: Likely benign for Saldino-Mainzer syndrome. Last evaluated: 2025-09-30. Review status: criteria provided, single submitter. Criteria: Invitae Variant Classification Sherloc (09022015). Collection method: clinical testing. Allele origin: germline.

Blueprint Genetics
Classification: Likely benign. Last evaluated: 2023-09-11. Review status: criteria provided, single submitter. Criteria: ACMG Guidelines, 2015. Collection method: clinical testing. Allele origin: germline.